The following is an entry in ClinVar:

NM_003680.4(YARS1):c.1227C>T (p.Phe409=)

Gene: YARS1 (tyrosyl-tRNA synthetase 1; minus strand). Cytogenetic location: 1p35.1.
Variant type: single nucleotide variant.
Coding change: c.1227C>T on transcript NM_003680.4 (MANE Select); coding-DNA position 1227, C replaced by T.
Protein change: p.Phe409=; no amino-acid change (phenylalanine 409 retained).
Molecular consequence: synonymous variant.
Genome position (GRCh38, 1-based): chr1:32,780,192, G>A on the plus strand (C>T on the coding strand, the complement: YARS1 is on the minus strand). VCF-style: chr1-32780192-G-A. GRCh37 (hg19) VCF-style: chr1-33245793-G-A.
Identifiers: ClinVar variation 759057 (VCV000759057.9), dbSNP rs763636325, ClinGen allele CA417064401.
Genomic context (GRCh38, chr1:32,780,192, plus strand): 5'-CTGGGGTTTCAGGTTGCACAGCACCACTACCAGCCTGTCCTGCAGTTCCTCCTTGGGCAC[G>A]AACTGTACCAGGCCGCTCACCACAGTCCGTGGTTCAGCTTCCCCCACGTCAATCTTCTCT-3'
Protein context (NP_003671.1, residues 399-419): PRTVVSGLVQ[Phe409=]VPKEELQDRL

ClinVar aggregate classification (germline): Likely benign. Review status: criteria provided, multiple submitters, no conflicts (2 of 4 stars). 2 submissions from 2 submitters: Likely benign (2). Last evaluated 2026-04-07.

Conditions:
YARS1-related disorder. Also called: YARS1-related condition.
Charcot-Marie-Tooth disease dominant intermediate C (CMTDIC). Also called: CHARCOT-MARIE-TOOTH NEUROPATHY, DOMINANT INTERMEDIATE C. Identifiers: Orphanet 100045, MedGen C1842237, MONDO:0012012, OMIM 608323.

gnomAD v4.1: 33 of 1,614,124 alleles (0.002%); highest among the groups gnomAD compares: Non-Finnish European, 0.0027%; no homozygotes.

Submissions (2):

PreventionGenetics, part of Exact Sciences
Classification: Likely benign for YARS1-related condition. Last evaluated: 2026-04-07. Review status: criteria provided, single submitter. Criteria: ACMG Guidelines, 2015. Collection method: clinical testing. Allele origin: germline.
Comment: This variant is classified as likely benign based on ACMG/AMP sequence variant interpretation guidelines (Richards et al. 2015 PMID: 25741868, with internal and published modifications).

Labcorp Genetics (formerly Invitae), Labcorp
Classification: Likely benign for Charcot-Marie-Tooth disease dominant intermediate C. Last evaluated: 2026-01-25. Review status: criteria provided, single submitter. Criteria: Invitae Variant Classification Sherloc (09022015). Collection method: clinical testing. Allele origin: germline.